The following is an entry in ClinVar:

ClinVar aggregate classification (germline): Uncertain significance. Review status: criteria provided, multiple submitters, no conflicts (2 of 4 stars). 8 submissions from 8 submitters: Uncertain significance (8). Last evaluated 2025-08-19.

Conditions:
Marfan syndrome (MFS). Also called: FBN1-Related Marfan Syndrome; Marfan syndrome, classic; MARFAN SYNDROME, TYPE I; Marfan syndrome type 1; Marfan's syndrome. Identifiers: Orphanet 284963, Orphanet 558, MedGen C0024796, MONDO:0007947, OMIM 154700.
Progeroid and marfanoid aspect-lipodystrophy syndrome. Also called: MARFANOID-PROGEROID-LIPODYSTROPHY SYNDROME; Marfan lipodystrophy syndrome; MARFANOID-PROGEROID SYNDROME; MARFAN-PROGEROID-LIPODYSTROPHY SYNDROME. Identifiers: Orphanet 300382, MedGen C4310796, MONDO:0014831, OMIM 616914.
MASS syndrome (OCTD). Also called: MASS PHENOTYPE; OVERLAP CONNECTIVE TISSUE DISEASE. Identifiers: MedGen C1858556, MONDO:0011431, OMIM 604308.
Geleophysic dysplasia 2 (GPHYSD2). Identifiers: Orphanet 2623, MedGen C3280054, MONDO:0013612, OMIM 614185.
Stiff skin syndrome (SSKS). Identifiers: Orphanet 2833, MedGen C1861456, MONDO:0008492, OMIM 184900.
Ectopia lentis 1, isolated, autosomal dominant (ECTOL1). Identifiers: Orphanet 1885, MedGen C3541518, MONDO:0007514, OMIM 129600.
Weill-Marchesani syndrome 2, dominant. Also called: Weill-Marchesani Syndrome, Autosomal Dominant; FBN1-Related Weill-Marchesani Syndrome. Identifiers: Orphanet 2084, MedGen C1869115, MONDO:0012013, OMIM 608328.
Acromicric dysplasia (ACMICD). Also called: Acromicric skeletal dysplasia. Identifiers: Orphanet 969, MedGen C0265287, MONDO:0007055, OMIM 102370.
Familial thoracic aortic aneurysm and aortic dissection (TAAD). Also called: Thoracic aortic aneurysms and dissections. Identifiers: Orphanet 91387, MedGen C4707243, MONDO:0019625.

Allele frequency attached by ClinVar (database versions not stated): gnomAD exomes 0.00001; TOPMed 0.00001.
gnomAD v4.1: 26 of 1,613,976 alleles (0.0016%); highest among the groups gnomAD compares: African/African-American, 0.0027%; no homozygotes.

Submissions (8):

Ambry Genetics
Classification: Uncertain significance for Familial thoracic aortic aneurysm and aortic dissection. Last evaluated: 2025-08-19. Review status: criteria provided, single submitter. Criteria: Ambry Variant Classification Scheme 2023. Collection method: clinical testing. Allele origin: germline.
Comment: The p.S2361L variant (also known as c.7082C>T), located in coding exon 57 of the FBN1 gene, results from a C to T substitution at nucleotide position 7082. The serine at codon 2361 is replaced by leucine, an amino acid with dissimilar properties. This variant was reported in individual(s) with features consistent with thoracic aortic aneurysm and dissection (Lerner-Ellis JP et al. Mol. Genet. Metab., 2014 Jun;112:171-6; Chen MH et al. J Am Heart Assoc. 2024 Jul;13(14):e033232; Ambry internal data). This amino acid position is highly conserved in available vertebrate species. In addition, the in silico prediction for this alteration is inconclusive. Based on the available evidence, the clinical significance of this variant remains unclear.

Labcorp Genetics (formerly Invitae), Labcorp
Classification: Uncertain significance for Marfan syndrome; Familial thoracic aortic aneurysm and aortic dissection. Last evaluated: 2025-01-08. Review status: criteria provided, single submitter. Criteria: Invitae Variant Classification Sherloc (09022015). Collection method: clinical testing. Allele origin: germline.
Comment: This sequence change replaces serine, which is neutral and polar, with leucine, which is neutral and non-polar, at codon 2361 of the FBN1 protein (p.Ser2361Leu). This variant is present in population databases (rs397515844, gnomAD 0.002%). This missense change has been observed in individual(s) with clinical features of thoracic aortic aneurysm and dissection (PMID: 24793577). ClinVar contains an entry for this variant (Variation ID: 42418). Invitae Evidence Modeling of protein sequence and biophysical properties (such as structural, functional, and spatial information, amino acid conservation, physicochemical variation, residue mobility, and thermodynamic stability) indicates that this missense variant is expected to disrupt FBN1 protein function with a positive predictive value of 95%. In summary, the available evidence is currently insufficient to determine the role of this variant in disease. Therefore, it has been classified as a Variant of Uncertain Significance.

Blueprint Genetics
Classification: Uncertain significance. Last evaluated: 2024-08-30. Review status: criteria provided, single submitter. Criteria: ACMG Guidelines, 2015. Collection method: clinical testing. Allele origin: germline.

Color Diagnostics, LLC DBA Color Health
Classification: Uncertain significance for Familial thoracic aortic aneurysm and aortic dissection. Last evaluated: 2024-07-16. Review status: criteria provided, single submitter. Criteria: ACMG Guidelines, 2015. Collection method: clinical testing. Allele origin: germline.
Comment: This missense variant replaces serine with leucine at codon 2361 of the FBN1 protein. Computational prediction tools indicate that this variant's impact on protein structure and function is inconclusive. To our knowledge, functional studies have not been reported for this variant. This variant has been reported in an individual affected with thoracic aortic aneurysms and dissections (PMID: 24793577). This variant has been identified in 2/250804 chromosomes in the general population by the Genome Aggregation Database (gnomAD). The available evidence is insufficient to determine the role of this variant in disease conclusively. Therefore, this variant is classified as a Variant of Uncertain Significance.

Women's Health and Genetics/Laboratory Corporation of America, LabCorp
Classification: Uncertain significance. Last evaluated: 2024-06-18. Review status: criteria provided, single submitter. Criteria: LabCorp Variant Classification Summary - May 2015. Collection method: clinical testing. Allele origin: germline.
Comment: Variant summary: FBN1 c.7082C>T (p.Ser2361Leu) results in a non-conservative amino acid change located in the one of the TGF-beta binding (TB) domains (IPR017878, UniProt) of the encoded protein sequence. Three of five in-silico tools predict a damaging effect of the variant on protein function. The variant allele was found at a frequency of 8e-06 in 250804 control chromosomes. The available data on variant occurrences in the general population are insufficient to allow any conclusion about variant significance. c.7082C>T has been reported in the literature in an individual affected with (suspected) TAAD (Thoracic Aortic Aneurysms and Dissections), however no further phenotype details or co-segregation data were provided (Lerner-Ellis_2014). These data do not allow any conclusion about variant significance. To our knowledge, no experimental evidence demonstrating an impact on protein function has been reported. A recent study combining ACMG criteria with FBN1 gene-specific knowledge (i.e. considering critical FBN1 regions and appropriate minor allele frequency (MAF) cutoffs), classified the variant as VUS (Baudhuin_2019). The following publications have been ascertained in the context of this evaluation (PMID: 24793577, 31227806). ClinVar contains an entry for this variant (Variation ID: 42418). Based on the evidence outlined above, the variant was classified as uncertain significance.

Fulgent Genetics
Classification: Uncertain significance for Acromicric dysplasia; Ectopia lentis 1, isolated, autosomal dominant; Marfan syndrome; Stiff skin syndrome; MASS syndrome; Weill-Marchesani syndrome 2, dominant; Geleophysic dysplasia 2; Progeroid and marfanoid aspect-lipodystrophy syndrome. Last evaluated: 2021-10-17. Review status: criteria provided, single submitter. Criteria: ACMG Guidelines, 2015. Collection method: clinical testing. Allele origin: unknown.

GeneDx
Classification: Uncertain significance. Last evaluated: 2020-10-02. Review status: criteria provided, single submitter. Criteria: GeneDx Variant Classification Process June 2021. Collection method: clinical testing. Allele origin: germline. Affected: yes.
Comment: Reported in a patient with TAAD (Lerner-Ellis et al., 2014); Not observed at a significant frequency in large population cohorts (Lek et al., 2016); In silico analysis supports that this missense variant has a deleterious effect on protein structure/function; Does not affect a cysteine residue within a calcium-binding EGF-like domain of the FBN1 gene; cysteine substitutions in the calcium-binding EGF-like domains represent the majority of pathogenic missense changes associated with FBN1-related disorders (Collod-Beroud et al., 2003); Reported in ClinVar as a variant of uncertain significance (ClinVar Variant ID# 42418; Landrum et al., 2016); This variant is associated with the following publications: (PMID: 24793577)

Laboratory for Molecular Medicine, Mass General Brigham Personalized Medicine
Classification: Uncertain significance. Last evaluated: 2009-07-09. Review status: criteria provided, single submitter. Criteria: LMM Criteria. Collection method: clinical testing. Allele origin: germline. Observed: 2 variant alleles.

Literature cited by the submitters: PubMed 24793577 (cited by 4 submitters); PubMed 38958128 (cited by Ambry Genetics); PubMed 31227806 (cited by Women's Health and Genetics/Laboratory Corporation of America, LabCorp).

NM_000138.5(FBN1):c.7082C>T (p.Ser2361Leu)

Gene: FBN1 (fibrillin 1; minus strand). Cytogenetic location: 15q21.1.
Variant type: single nucleotide variant.
Coding change: c.7082C>T on transcript NM_000138.5 (MANE Select); coding-DNA position 7082, C replaced by T.
Protein change: p.Ser2361Leu; replaces serine 2361 with leucine.
Molecular consequence: missense variant.
Genome position (GRCh38, 1-based): chr15:48,427,689, G>A on the plus strand (C>T on the coding strand, the complement: FBN1 is on the minus strand). VCF-style: chr15-48427689-G-A. GRCh37 (hg19) VCF-style: chr15-48719886-G-A.
Other names: short protein forms S2361L.
Identifiers: ClinVar variation 42418 (VCV000042418.25), dbSNP rs397515844, ClinGen allele CA016993.